The following is an entry in ClinVar:

NM_000100.4(CSTB):c.*74T>C

Gene: CSTB (cystatin B; minus strand). Cytogenetic location: 21q22.3.
Variant type: single nucleotide variant.
Coding change: c.*74T>C on transcript NM_000100.4 (MANE Select); 74 bases downstream of the stop codon, T replaced by C.
Molecular consequence: 3 prime UTR variant.
Genome position (GRCh38, 1-based): chr21:43,774,128, A>G on the plus strand (T>C on the coding strand, the complement: CSTB is on the minus strand). VCF-style: chr21-43774128-A-G. GRCh37 (hg19) VCF-style: chr21-45194009-A-G.
Identifiers: ClinVar variation 340119 (VCV000340119.8), dbSNP rs6385, ClinGen allele CA10653021.

ClinVar aggregate classification (germline): Benign. Review status: criteria provided, multiple submitters, no conflicts (2 of 4 stars). 3 submissions from 3 submitters: Benign (3). Last evaluated 2018-07-07.

Conditions:
Unverricht-Lundborg syndrome. Also called: Unverricht-Lundborg Disease; EPILEPSY, PROGRESSIVE MYOCLONIC, 1A; Progressive myoclonus epilepsy baltic myoclonic epilepsy; Myoclonus progressive epilepsy of Unverricht and Lundborg; Epilepsy, progressive myoclonic 1A (Unverricht and Lundborg); Myoclonic epilepsy of unverricht and lundborg. Identifiers: Orphanet 308, MedGen C0751785, MONDO:0009698, OMIM 254800.

Allele frequency attached by ClinVar (database versions not stated): gnomAD exomes 0.00161; gnomAD 0.01572 and 0.01682; TOPMed 0.01789; 1000 Genomes Project 0.01877; 1000 Genomes Project 30x 0.01921.
gnomAD v4.1: 4,837 of 1,603,536 alleles (0.3%); highest among the groups gnomAD compares: African/African-American, 5.4%; 120 homozygotes.

Submissions (3):

GeneDx
Classification: Benign. Last evaluated: 2018-07-07. Review status: criteria provided, single submitter. Criteria: GeneDx Variant Classification Process June 2021. Collection method: clinical testing. Allele origin: germline. Affected: yes.

Illumina Laboratory Services, Illumina
Classification: Benign for Unverricht-Lundborg syndrome. Last evaluated: 2018-01-13. Review status: criteria provided, single submitter. Criteria: ICSL Variant Classification Criteria 13 December 2019. Collection method: clinical testing. Allele origin: germline.
Comment: This variant was observed in the ICSL laboratory as part of a predisposition screen in an ostensibly healthy population. It had not been previously curated by ICSL or reported in the Human Gene Mutation Database (HGMD: prior to June 1st, 2018), and was therefore a candidate for classification through an automated scoring system. Utilizing variant allele frequency, disease prevalence and penetrance estimates, and inheritance mode, an automated score was calculated to assess if this variant is too frequent to cause the disease. Based on the score and internal cut-off values, a variant classified as benign is not then subjected to further curation. The score for this variant resulted in a classification of benign for this disease.

Breakthrough Genomics
Classification: Benign. Review status: criteria provided, single submitter. Criteria: ACMG Guidelines, 2015. Collection method: not provided. Allele origin: germline. Inheritance: Autosomal recessive inheritance. Affected: yes.